The following is an entry in ClinVar:

NM_016203.4(PRKAG2):c.1631T>C (p.Ile544Thr)

Gene: PRKAG2 (protein kinase AMP-activated non-catalytic subunit gamma 2; minus strand). Cytogenetic location: 7q36.1.
Variant type: single nucleotide variant.
Coding change: c.1631T>C on transcript NM_016203.4 (MANE Select); coding-DNA position 1631, T replaced by C.
Protein change: p.Ile544Thr; replaces isoleucine 544 with threonine.
Molecular consequence: missense variant.
Genome position (GRCh38, 1-based): chr7:151,560,571, A>G on the plus strand (T>C on the coding strand, the complement: PRKAG2 is on the minus strand). VCF-style: chr7-151560571-A-G. GRCh37 (hg19) VCF-style: chr7-151257657-A-G.
Other names: c.1499T>C, p.Ile500Thr (NM_001040633.2); c.1256T>C, p.Ile419Thr (NM_001304527.2); c.908T>C, p.Ile303Thr (NM_001304531.2, NM_024429.2); c.1259T>C, p.Ile420Thr (NM_001363698.2); short protein forms I500T, I419T, I544T, I303T, I420T.
Identifiers: ClinVar variation 943369 (VCV000943369.9), dbSNP rs1804703888, ClinGen allele CA370070322.
Genomic context (GRCh38, chr7:151,560,571, plus strand): 5'-ACCAGCATTTTACCTGCTGGTGTGAGGATCAGGGCTTGCAGAATGTCCGACAGGGAAATA[A>G]TACCCACAATACTATCTGCTTCATTTACCACCACCAGCCGATGGACCTGCAAAGAGAAAA-3'
Protein context (NP_057287.2, residues 534-554): VVNEADSIVG[Ile544Thr]ISLSDILQAL

ClinVar aggregate classification (germline): Uncertain significance (1 of 4 stars; one submission).

Conditions:
Lethal congenital glycogen storage disease of heart. Also called: GLYCOGEN STORAGE DISEASE OF HEART; PHOSPHORYLASE KINASE DEFICIENCY OF HEART. Identifiers: Orphanet 439854, MedGen C1849813, MONDO:0009867, OMIM 261740.

Submission:

Labcorp Genetics (formerly Invitae), Labcorp
Classification: Uncertain significance for Lethal congenital glycogen storage disease of heart. Last evaluated: 2019-09-03. Review status: criteria provided, single submitter. Criteria: Invitae Variant Classification Sherloc (09022015). Collection method: clinical testing. Allele origin: germline.
Comment: This variant is not present in population databases (ExAC no frequency). This sequence change replaces isoleucine with threonine at codon 544 of the PRKAG2 protein (p.Ile544Thr). The isoleucine residue is highly conserved and there is a moderate physicochemical difference between isoleucine and threonine. In summary, the available evidence is currently insufficient to determine the role of this variant in disease. Therefore, it has been classified as a Variant of Uncertain Significance. Algorithms developed to predict the effect of missense changes on protein structure and function (SIFT, PolyPhen-2, Align-GVGD) all suggest that this variant is likely to be disruptive, but these predictions have not been confirmed by published functional studies and their clinical significance is uncertain. This variant has not been reported in the literature in individuals with PRKAG2-related conditions.